The following is an entry in ClinVar:

ClinVar aggregate classification (germline): Uncertain significance. Review status: criteria provided, multiple submitters, no conflicts (2 of 4 stars). 2 submissions from 2 submitters: Uncertain significance (2). Last evaluated 2026-06-01.

Conditions:
Cardiovascular phenotype. Identifiers: MedGen CN230736.

Allele frequency attached by ClinVar (database versions not stated): gnomAD exomes below 0.00001.
gnomAD v4.1: 1 of 1,209,279 alleles (0.000083%); highest among the groups gnomAD compares: Non-Finnish European, 0.00011%; no homozygotes.

Submissions (2):

CeGaT Center for Human Genetics Tuebingen
Classification: Uncertain significance. Last evaluated: 2026-06-01. Review status: criteria provided, single submitter. Criteria: CeGaT Center For Human Genetics Tuebingen Variant Classification Criteria Version 2. Collection method: clinical testing. Allele origin: germline. Affected: yes. Observed: 1 variant allele.
Comment: DMD: PM2

Ambry Genetics
Classification: Uncertain significance for Cardiovascular phenotype. Last evaluated: 2021-06-21. Review status: criteria provided, single submitter. Criteria: Ambry Variant Classification Scheme 2023. Collection method: clinical testing. Allele origin: germline.
Comment: The p.E1301K variant (also known as c.3901G>A), located in coding exon 28 of the DMD gene, results from a G to A substitution at nucleotide position 3901. The glutamic acid at codon 1301 is replaced by lysine, an amino acid with similar properties. This amino acid position is highly conserved in available vertebrate species. In addition, this alteration is predicted to be tolerated by in silico analysis. Since supporting evidence is limited at this time, the clinical significance of this alteration remains unclear.

NM_004006.3(DMD):c.3901G>A (p.Glu1301Lys)

Gene: DMD (dystrophin; minus strand). Cytogenetic location: Xp21.1.
Variant type: single nucleotide variant.
Coding change: c.3901G>A on transcript NM_004006.3 (MANE Select); coding-DNA position 3901, G replaced by A.
Protein change: p.Glu1301Lys; replaces glutamic acid 1301 with lysine.
Molecular consequence: missense variant.
Genome position (GRCh38, 1-based): chrX:32,441,200, C>T on the plus strand (G>A on the coding strand, the complement: DMD is on the minus strand). VCF-style: chrX-32441200-C-T. GRCh37 (hg19) VCF-style: chrX-32459317-C-T.
Other names: c.3877G>A, p.Glu1293Lys (NM_000109.4); c.3889G>A, p.Glu1297Lys (NM_004009.3); c.3532G>A, p.Glu1178Lys (NM_004010.3); short protein forms E1178K, E1293K, E1301K, E1297K.
Identifiers: ClinVar variation 1736029 (VCV001736029.4), dbSNP rs2524124655, ClinGen allele CA412670206.